The following is an entry in ClinVar:

ClinVar aggregate classification (germline): Likely benign. Review status: criteria provided, single submitter (1 of 4 stars). 2 submissions from 2 submitters: Likely benign (1). 1 of the submissions does not count toward it. Last evaluated 2021-01-06.

Conditions:
AMPD2-related disorder. Also called: AMPD2-related condition.
Inborn genetic diseases. Identifiers: MedGen C0950123, MeSH D030342.

Allele frequency attached by ClinVar (database versions not stated): gnomAD exomes 0.00002; ExAC 0.00003; gnomAD 0.00003; TOPMed 0.00004; ESP Exome Variant Server 0.00008.
gnomAD v4.1: 28 of 1,614,038 alleles (0.0017%); highest among the groups gnomAD compares: African/African-American, 0.013%; no homozygotes.

Submissions (2):

Ambry Genetics
Classification: Likely benign for Inborn genetic diseases. Last evaluated: 2021-01-06. Review status: criteria provided, single submitter. Criteria: Ambry Variant Classification Scheme 2023. Collection method: clinical testing. Allele origin: germline.

PreventionGenetics, part of Exact Sciences
Classification: Likely benign for AMPD2-related condition. Last evaluated: 2024-07-09. Review status: no assertion criteria provided. Collection method: clinical testing. Allele origin: germline. Not counted in ClinVar's aggregate classification.
Comment: This variant is classified as likely benign based on ACMG/AMP sequence variant interpretation guidelines (Richards et al. 2015 PMID: 25741868, with internal and published modifications).

NM_001368809.2(AMPD2):c.1698C>T (p.His566=)

Genes: AMPD2 (adenosine monophosphate deaminase 2; plus strand), LOC126805822 (BRD4-independent group 4 enhancer GRCh37_chr1:110170748-110171947; plus strand). Cytogenetic location: 1p13.3.
Variant type: single nucleotide variant.
Coding change: c.1698C>T on transcript NM_001368809.2 (MANE Select); coding-DNA position 1698, C replaced by T.
Protein change: p.His566=; no amino-acid change (histidine 566 retained).
Molecular consequence: synonymous variant.
Genome position (GRCh38, 1-based): chr1:109,629,235, C>T. VCF-style: chr1-109629235-C-T. GRCh37 (hg19) VCF-style: chr1-110171857-C-T.
Other names: c.1860C>T (NM_001257360.1); c.1506C>T, p.His502= (NM_001257361.2); c.1635C>T, p.His545= (NM_001308170.1); c.1698C>T, p.His566= (NM_004037.9); c.1617C>T, p.His539= (NM_139156.4).
Identifiers: ClinVar variation 2228440 (VCV002228440.4), dbSNP rs376490015, ClinGen allele CA993157.
Genomic context (GRCh38, chr1:109,629,235, plus strand): 5'-ACTGTTCGAGGCCACTGTGCACCCTGCCAGCCACCCGGAACTGCATCTCTTCTTAGAGCA[C>T]GTGAGCAGGCAGCGCAGAGCTGGGTATGGGGAGGGCAGCCGGCTTCGCATCCAGCTGCAG-3'
Protein context (NP_001355738.1, residues 556-576): SHPELHLFLE[His566=]VDGFDSVDDE